The following is an entry in ClinVar:

NM_001375405.1(CEP120):c.1244C>T (p.Pro415Leu)

Gene: CEP120 (centrosomal protein 120; minus strand). Cytogenetic location: 5q23.2.
Variant type: single nucleotide variant.
Coding change: c.1244C>T on transcript NM_001375405.1 (MANE Select); coding-DNA position 1244, C replaced by T.
Protein change: p.Pro415Leu; replaces proline 415 with leucine.
Molecular consequence: missense variant. On other transcripts: non-coding transcript variant (1).
Genome position (GRCh38, 1-based): chr5:123,389,935, G>A on the plus strand (C>T on the coding strand, the complement: CEP120 is on the minus strand). VCF-style: chr5-123389935-G-A. GRCh37 (hg19) VCF-style: chr5-122725629-G-A.
Other names: c.1244C>T (NM_153223.3); c.1166C>T, p.Pro389Leu (NM_001166226.2); c.1109C>T, p.Pro370Leu (NM_001375406.1); c.1244C>T, p.Pro415Leu (NM_001375407.1, NM_153223.4); c.671C>T, p.Pro224Leu (NM_001375408.1, NM_001375409.1); short protein forms P224L, P370L, P389L, P415L.
Identifiers: ClinVar variation 1012737 (VCV001012737.38), dbSNP rs375851614, ClinGen allele CA3387026.

ClinVar aggregate classification (germline): Uncertain significance. Review status: criteria provided, single submitter (1 of 4 stars). 2 submissions from 2 submitters: Uncertain significance (1). 1 of the submissions does not count toward it. Last evaluated 2021-01-01.

Conditions:
CEP120-related disorder. Also called: CEP120-related condition; CEP120-Related Disorders.

Allele frequency attached by ClinVar (database versions not stated): ExAC 0.00001; gnomAD 0.00001; gnomAD exomes 0.00002 and 0.00007; TOPMed 0.00002; ESP Exome Variant Server 0.00008.
gnomAD v4.1: 108 of 1,613,160 alleles (0.0067%); highest among the groups gnomAD compares: Non-Finnish European, 0.0089%; no homozygotes.

Submissions (2):

CeGaT Center for Human Genetics Tuebingen
Classification: Uncertain significance. Last evaluated: 2021-01-01. Review status: criteria provided, single submitter. Criteria: CeGaT Center For Human Genetics Tuebingen Variant Classification Criteria Version 2. Collection method: clinical testing. Allele origin: germline. Affected: yes. Observed: 1 variant allele.

PreventionGenetics, part of Exact Sciences
Classification: Uncertain significance for CEP120-related condition. Last evaluated: 2024-05-09. Review status: no assertion criteria provided. Collection method: clinical testing. Allele origin: germline. Not counted in ClinVar's aggregate classification.
Comment: The CEP120 c.1244C>T variant is predicted to result in the amino acid substitution p.Pro415Leu. To our knowledge, this variant has not been reported in the literature. This variant is reported in 0.0035% of alleles in individuals of European (Non-Finnish) descent in gnomAD. At this time, the clinical significance of this variant is uncertain due to the absence of conclusive functional and genetic evidence.